The following is an entry in ClinVar:

NM_003470.3(USP7):c.2920-5C>G

Gene: USP7 (ubiquitin specific peptidase 7; minus strand). Cytogenetic location: 16p13.2.
Variant type: single nucleotide variant.
Coding change: c.2920-5C>G on transcript NM_003470.3 (MANE Select); 5 bases into the intron before coding-DNA position 2920, C replaced by G.
Molecular consequence: intron variant.
Genome position (GRCh38, 1-based): chr16:8,895,155, G>C on the plus strand (C>G on the coding strand, the complement: USP7 is on the minus strand). VCF-style: chr16-8895155-G-C. GRCh37 (hg19) VCF-style: chr16-8989012-G-C.
Other names: c.2746-5C>G (NM_001321858.2); c.2872-5C>G (NM_001286457.2); c.2623-5C>G (NM_001286458.2).
Identifiers: ClinVar variation 3901301 (VCV003901301.1).

ClinVar aggregate classification (germline): Uncertain significance (1 of 4 stars; one submission).

Submission:

GeneDx
Classification: Uncertain significance. Last evaluated: 2024-12-03. Review status: criteria provided, single submitter. Criteria: GeneDx Variant Classification Process June 2021. Collection method: clinical testing. Allele origin: germline. Affected: yes.
Comment: Not observed at significant frequency in large population cohorts (gnomAD); In silico analysis supports a deleterious effect on splicing; Has not been previously published as pathogenic or benign to our knowledge